The following is an entry in ClinVar:

NM_001164508.2(NEB):c.18379_18382del (p.Glu6127fs)

Gene: NEB (nebulin; minus strand). Cytogenetic location: 2q23.3.
Variant type: Deletion.
Coding change: c.18379_18382del on transcript NM_001164508.2 (MANE Select); coding-DNA positions 18379 to 18382, 4 bases deleted (GAAA; older notation c.18379_18382delGAAA).
Protein change: p.Glu6127fs; shifts the reading frame from glutamic acid 6127.
Molecular consequence: frameshift variant.
Genome position (GRCh38, 1-based): chr2:151,565,133-151,565,136, TTTC deleted on the plus strand (GAAA on the coding strand, the reverse complement: NEB is on the minus strand); deleting any 4 consecutive bases within chr2:151,565,133-151,565,139 gives the same sequence; the c. name uses the placement nearest the transcript's 3' end. VCF-style (leftmost placement, unchanged base first): chr2-151565132-GTTTC-G. GRCh37 (hg19) VCF-style: chr2-152421646-GTTTC-G.
Other names: c.18379_18382del, p.Glu6127fs (NM_001164507.2, NM_001271208.2); c.13276_13279del, p.Glu4426fs (NM_004543.5); short protein forms E4426fs, E6127fs.
Identifiers: ClinVar variation 5012520 (VCV005012520.1).

ClinVar aggregate classification (germline): Pathogenic (1 of 4 stars; one submission).

Conditions:
Nemaline myopathy 2 (NEM2). Also called: Nemaline myopathy 2, autosomal recessive. Identifiers: MedGen C1850569, MONDO:0009725, OMIM 256030.

Submission:

Myriad Genetics, Inc.
Classification: Pathogenic for Nemaline myopathy 2. Last evaluated: 2023-11-25. Review status: criteria provided, single submitter. Criteria: Myriad Autosomal Dominant, Autosomal Recessive and X-Linked Classification Criteria (2023). Collection method: clinical testing. Allele origin: unknown.
Comment: NM_001271208.1(NEB):c.18379_18382delGAAA(E6127Hfs*63) is expected to be pathogenic in the context of NEB-related nemaline myopathy. This variant is predicted to lead to an abnormal or absent protein product due to the creation of a premature termination codon in NEB, a gene where loss-of-function variants are known to be pathogenic. Please note: this variant was assessed in the context of healthy population screening.